The following is an entry in ClinVar:

ClinVar aggregate classification (germline): Pathogenic (1 of 4 stars; one submission).

Conditions:
H syndrome. Also called: Asrar Facharzt Haque syndrome; HISTIOCYTOSIS AND LYMPHADENOPATHY WITH OR WITHOUT CUTANEOUS, CARDIAC, AND/OR ENDOCRINE FEATURES, JOINT CONTRACTURES, AND/OR DEAFNESS; HYPERPIGMENTATION, CUTANEOUS, WITH HYPERTRICHOSIS, HEPATOSPLENOMEGALY, HEART ANOMALIES, AND HYPOGONADISM WITH OR WITHOUT HEARING LOSS; PIGMENTED HYPERTRICHOSIS WITH INSULIN-DEPENDENT DIABETES MELLITUS; ROSAI-DORFMAN DISEASE, FAMILIAL; SINUS HISTIOCYTOSIS AND MASSIVE LYMPHADENOPATHY. Identifiers: Orphanet 168569, MedGen C1864445, MONDO:0011273, OMIM 602782.

Submission:

Labcorp Genetics (formerly Invitae), Labcorp
Classification: Pathogenic for H syndrome. Last evaluated: 2023-08-04. Review status: criteria provided, single submitter. Criteria: Invitae Variant Classification Sherloc (09022015). Collection method: clinical testing. Allele origin: germline.
Comment: This sequence change creates a premature translational stop signal (p.Glu47*) in the SLC29A3 gene. It is expected to result in an absent or disrupted protein product. Loss-of-function variants in SLC29A3 are known to be pathogenic (PMID: 19336477, 20595384, 23406517, 25963354). This variant is not present in population databases (gnomAD no frequency). This variant has not been reported in the literature in individuals affected with SLC29A3-related conditions. ClinVar contains an entry for this variant (Variation ID: 862781). For these reasons, this variant has been classified as Pathogenic.

Literature cited by the submitters: PubMed 19336477; PubMed 20595384; PubMed 23406517; PubMed 25963354.

NM_018344.6(SLC29A3):c.139G>T (p.Glu47Ter)

Gene: SLC29A3 (solute carrier family 29 member 3; plus strand). Cytogenetic location: 10q22.1.
Variant type: single nucleotide variant.
Coding change: c.139G>T on transcript NM_018344.6 (MANE Select); coding-DNA position 139, G replaced by T.
Protein change: p.Glu47Ter; replaces glutamic acid 47 with a stop codon.
Molecular consequence: nonsense. On other transcripts: 5 prime UTR variant (1), non-coding transcript variant (2).
Genome position (GRCh38, 1-based): chr10:71,322,893, G>T. VCF-style: chr10-71322893-G-T. GRCh37 (hg19) VCF-style: chr10-73082650-G-T.
Other names: c.139G>T, p.Glu47Ter (NM_001174098.2); c.-96G>T (NM_001363518.2); short protein forms E47*.
Identifiers: ClinVar variation 862781 (VCV000862781.7), dbSNP rs377762611, ClinGen allele CA377129152.